The following is an entry in ClinVar:

ClinVar aggregate classification (germline): Pathogenic (1 of 4 stars; one submission).

gnomAD v4.1: 2 of 1,614,172 alleles (0.00012%); highest among the groups gnomAD compares: South Asian, 0.0022%; no homozygotes.

Submission:

Labcorp Genetics (formerly Invitae), Labcorp
Classification: Pathogenic. Last evaluated: 2023-09-10. Review status: criteria provided, single submitter. Criteria: Invitae Variant Classification Sherloc (09022015). Collection method: clinical testing. Allele origin: germline.
Comment: This sequence change creates a premature translational stop signal (p.Trp62*) in the NDUFV1 gene. It is expected to result in an absent or disrupted protein product. Loss-of-function variants in NDUFV1 are known to be pathogenic (PMID: 10080174, 11349233). This variant is not present in population databases (gnomAD no frequency). This variant has not been reported in the literature in individuals affected with NDUFV1-related conditions. For these reasons, this variant has been classified as Pathogenic.

Literature cited by the submitters: PubMed 10080174; PubMed 11349233.

NM_007103.4(NDUFV1):c.186G>A (p.Trp62Ter)

Gene: NDUFV1 (NADH:ubiquinone oxidoreductase core subunit V1; plus strand). Cytogenetic location: 11q13.2.
Variant type: single nucleotide variant.
Coding change: c.186G>A on transcript NM_007103.4 (MANE Select); coding-DNA position 186, G replaced by A.
Protein change: p.Trp62Ter; replaces tryptophan 62 with a stop codon.
Molecular consequence: nonsense.
Genome position (GRCh38, 1-based): chr11:67,608,582, G>A. VCF-style: chr11-67608582-G-A. GRCh37 (hg19) VCF-style: chr11-67376053-G-A.
Other names: c.159G>A, p.Trp53Ter (NM_001166102.2); short protein forms W62*, W53*.
Identifiers: ClinVar variation 2759622 (VCV002759622.3), dbSNP rs2495715777, ClinGen allele CA381533249.